The following is an entry in ClinVar:

ClinVar aggregate classification (germline): Pathogenic/Likely pathogenic. Review status: criteria provided, multiple submitters, no conflicts (2 of 4 stars). 2 submissions from 2 submitters: Pathogenic (1); Likely pathogenic (1). Last evaluated 2025-04-08.

Conditions:
Retinitis pigmentosa 25 (RP25). Identifiers: Orphanet 791, MedGen C1864446, MONDO:0011272, OMIM 602772.

Submissions (2):

3billion
Classification: Likely pathogenic for Retinitis pigmentosa 25. Last evaluated: 2025-04-08. Review status: criteria provided, single submitter. Criteria: ACMG Guidelines, 2015. Collection method: clinical testing. Allele origin: germline. Affected: yes.
Comment: The variant is not observed in the gnomAD v4.1.0 dataset. Predicted Consequence/Location: Stop-gained (nonsense): predicted to result in a loss or disruption of normal protein function through protein truncation. Multiple pathogenic variants are reported in the predicted truncated region. The variant has been reported to be associated with EYS-related disorder (ClinVar ID: VCV002133694). Therefore, this variant is classified as Likely pathogenic according to the recommendation of ACMG/AMP guideline.

Labcorp Genetics (formerly Invitae), Labcorp
Classification: Pathogenic. Last evaluated: 2022-10-24. Review status: criteria provided, single submitter. Criteria: Invitae Variant Classification Sherloc (09022015). Collection method: clinical testing. Allele origin: germline.
Comment: This sequence change creates a premature translational stop signal (p.Thr2777*) in the EYS gene. While this is not anticipated to result in nonsense mediated decay, it is expected to disrupt the last 368 amino acid(s) of the EYS protein. This variant is not present in population databases (gnomAD no frequency). This variant has not been reported in the literature in individuals affected with EYS-related conditions. This variant disrupts a region of the EYS protein in which other variant(s) (p.Tyr3135*) have been determined to be pathogenic (PMID: 18976725, 29159838, 30337596, 31074760). This suggests that this is a clinically significant region of the protein, and that variants that disrupt it are likely to be disease-causing. For these reasons, this variant has been classified as Pathogenic.

Literature cited by the submitters: PubMed 18976725 (cited by Labcorp Genetics (formerly Invitae), Labcorp); PubMed 29159838 (cited by Labcorp Genetics (formerly Invitae), Labcorp); PubMed 30337596 (cited by Labcorp Genetics (formerly Invitae), Labcorp); PubMed 31074760 (cited by Labcorp Genetics (formerly Invitae), Labcorp).

NM_001142800.2(EYS):c.8329_8332del (p.Val2776_Thr2777insTer)

Genes: EYS (EGF-like photoreceptor maintenance factor; minus strand), PHF3 (PHD finger protein 3; plus strand). Cytogenetic location: 6q12.
Variant type: Deletion.
Coding change: c.8329_8332del on transcript NM_001142800.2 (MANE Select); coding-DNA positions 8329 to 8332, 4 bases deleted (ACTA; older notation c.8329_8332delACTA).
Protein change: p.Val2776_Thr2777insTer.
Molecular consequence: nonsense. On other transcripts: 3 prime UTR variant (5).
Genome position (GRCh38, 1-based): chr6:63,721,699-63,721,702, TAGT deleted on the plus strand (ACTA on the coding strand, the reverse complement: EYS is on the minus strand); deleting any 4 consecutive bases within chr6:63,721,699-63,721,704 gives the same sequence; the c. name uses the placement nearest the transcript's 3' end. VCF-style (leftmost placement, unchanged base first): chr6-63721698-ATAGT-A. GRCh37 (hg19) VCF-style: chr6-64431594-ATAGT-A.
Other names: c.*7993_*7996del (NM_001290259.2, NM_001370348.2, NM_001370349.2 and 2 more transcripts); c.8392_8395del, p.Val2797_Thr2798insTer (NM_001292009.2).
Identifiers: ClinVar variation 2133694 (VCV002133694.5), dbSNP rs2533393096, ClinGen allele CA2580075664.
Genomic context (GRCh38, chr6:63,721,698, plus strand): 5'-TCCAGGTAGCCTTCTGCACCAACTCTTCCTGCTTTTATTATATGCCAAGTACTTCCGTTT[ATAGT>A]TACTTTTTGGAGAGTTTCTAGAATGATAGTTCTGTCGCCAAGGTTGTAGCGAAGTTGAAC-3'